The following is an entry in ClinVar:

NM_001385012.1(NBEA):c.1214T>C (p.Ile405Thr)

Gene: NBEA (neurobeachin; plus strand). Cytogenetic location: 13q13.3.
Variant type: single nucleotide variant.
Coding change: c.1214T>C on transcript NM_001385012.1 (MANE Select); coding-DNA position 1214, T replaced by C.
Protein change: p.Ile405Thr; replaces isoleucine 405 with threonine.
Molecular consequence: missense variant.
Genome position (GRCh38, 1-based): chr13:35,058,838, T>C. VCF-style: chr13-35058838-T-C. GRCh37 (hg19) VCF-style: chr13-35632975-T-C.
Other names: c.1214T>C, p.Ile405Thr (NM_001379245.1, NM_015678.5); short protein forms I405T.
Identifiers: ClinVar variation 4846863 (VCV004846863.1).

ClinVar aggregate classification (germline): Uncertain significance (1 of 4 stars; one submission).

Conditions:
Neurodevelopmental disorder with or without early-onset generalized epilepsy. Identifiers: MedGen C5436914, MONDO:0030930, OMIM 619157.

Submission:

Laboratorio de Genetica e Diagnostico Molecular, Hospital Israelita Albert Einstein
Classification: Uncertain significance for Neurodevelopmental disorder with or without early-onset generalized epilepsy. Last evaluated: 2026-02-20. Review status: criteria provided, single submitter. Criteria: ACMG Guidelines, 2015. Collection method: clinical testing. Allele origin: germline. Affected: yes.
Comment: ACMG classification criteria: PM2 supporting, PP2 supporting, BP4 supporting